The following is an entry in ClinVar:

ClinVar aggregate classification (germline): Pathogenic. Review status: criteria provided, multiple submitters, no conflicts (2 of 4 stars). 2 submissions from 2 submitters: Pathogenic (2). Last evaluated 2024-12-16.

Conditions:
Exostoses, multiple, type 2 (EXT2). Also called: Hereditary Multiple Osteochondromatosis, Type II; EXOSTOSES, MULTIPLE, TYPE II. Identifiers: Orphanet 321, MedGen C1851413, MONDO:0007586, OMIM 133701.

Submissions (2):

GeneDx
Classification: Pathogenic. Last evaluated: 2024-12-16. Review status: criteria provided, single submitter. Criteria: GeneDx Variant Classification Process June 2021. Collection method: clinical testing. Allele origin: germline. Affected: yes.
Comment: Not observed at significant frequency in large population cohorts (gnomAD); Nonsense variant predicted to result in protein truncation or nonsense mediated decay in a gene for which loss of function is a known mechanism of disease; This variant is associated with the following publications: (PMID: 25525159, 30730578, 15586175)

Labcorp Genetics (formerly Invitae), Labcorp
Classification: Pathogenic for Exostoses, multiple, type 2. Last evaluated: 2022-03-27. Review status: criteria provided, single submitter. Criteria: Invitae Variant Classification Sherloc (09022015). Collection method: clinical testing. Allele origin: germline.
Comment: For these reasons, this variant has been classified as Pathogenic. This premature translational stop signal has been observed in individual(s) with multiple osteochondromas (PMID: 15586175). This variant is not present in population databases (gnomAD no frequency). This sequence change creates a premature translational stop signal (p.Trp220*) in the EXT2 gene. It is expected to result in an absent or disrupted protein product. Loss-of-function variants in EXT2 are known to be pathogenic (PMID: 10679937, 19810120).

Literature cited by the submitters: PubMed 15586175 (cited by Labcorp Genetics (formerly Invitae), Labcorp); PubMed 10679937 (cited by Labcorp Genetics (formerly Invitae), Labcorp); PubMed 19810120 (cited by Labcorp Genetics (formerly Invitae), Labcorp).

NM_207122.2(EXT2):c.659G>A (p.Trp220Ter)

Gene: EXT2 (exostosin glycosyltransferase 2; plus strand). Cytogenetic location: 11p11.2.
Variant type: single nucleotide variant.
Coding change: c.659G>A on transcript NM_207122.2 (MANE Select); coding-DNA position 659, G replaced by A.
Protein change: p.Trp220Ter; replaces tryptophan 220 with a stop codon.
Molecular consequence: nonsense.
Genome position (GRCh38, 1-based): chr11:44,114,217, G>A. VCF-style: chr11-44114217-G-A. GRCh37 (hg19) VCF-style: chr11-44135767-G-A.
Other names: c.758G>A, p.Trp253Ter (NM_000401.3); c.659G>A, p.Trp220Ter (NM_001178083.3, NM_001389628.1, NM_001389630.1); short protein forms W220*, W253*.
Identifiers: ClinVar variation 2137059 (VCV002137059.5), dbSNP rs2134984550, ClinGen allele CA380164326.